The following is an entry in ClinVar:

NM_183050.4(BCKDHB):c.24del (p.Gly9fs)

Gene: BCKDHB (branched chain keto acid dehydrogenase E1 subunit beta; plus strand). Cytogenetic location: 6q14.1.
Variant type: Deletion.
Coding change: c.24del on transcript NM_183050.4 (MANE Select); coding-DNA position 24, one base deleted (C; older notation c.24delC).
Protein change: p.Gly9fs; shifts the reading frame from glycine 9.
Molecular consequence: frameshift variant. On other transcripts: intron variant (1), 5 prime UTR variant (1), non-coding transcript variant (6).
Genome position (GRCh38, 1-based): chr6:80,106,717, C deleted; the last of 2 consecutive C bases (chr6:80,106,716-80,106,717); deleting either gives the same sequence. VCF-style (leftmost placement, unchanged base first): chr6-80106715-GC-G. GRCh37 (hg19) VCF-style: chr6-80816432-GC-G.
Other names: c.-15+34del (NM_001318975.1); c.24del, p.Gly9fs (NM_000056.5, NM_001424035.1, NM_001424036.1 and 8 more transcripts); c.-141del (NM_001424043.1); short protein forms G9fs.
Identifiers: ClinVar variation 4817018 (VCV004817018.1).

ClinVar aggregate classification (germline): Likely pathogenic (1 of 4 stars; one submission).

Conditions:
Maple syrup urine disease type 1B (MSUD1B). Also called: MSUD type IB; MSUD type 3 (formerly); MSUD due to deficiency of e1-beta subunit of branched-chain alpha-keto acid dehydrogenase complex. Identifiers: MedGen C2930990, MONDO:0023692, OMIM 620698.

Submission:

Natera, Inc.
Classification: Likely pathogenic for Maple syrup urine disease type 1B. Last evaluated: 2024-03-13. Review status: criteria provided, single submitter. Criteria: Natera Variant Classification Schema (03/2026). Collection method: clinical testing. Allele origin: germline.
Comment: The c.24delC variant in BCKDHB is a frameshift variant predicted to shift the reading frame beginning at codon 9 and leads to a stop codon 63 codons downstream. This variant is expected to result in nonsense mediated decay, truncation, or a dysfunctional protein product. This variant is rare in the general population with a frequency below the threshold expected for the associated phenotype(s). Given the available evidence, this variant is classified as Likely Pathogenic.